The following is an entry in ClinVar:

NM_020745.4(AARS2):c.1076G>A (p.Arg359His)

Gene: AARS2 (alanyl-tRNA synthetase 2, mitochondrial; minus strand). Cytogenetic location: 6p21.1.
Variant type: single nucleotide variant.
Coding change: c.1076G>A on transcript NM_020745.4 (MANE Select); coding-DNA position 1076, G replaced by A.
Protein change: p.Arg359His; replaces arginine 359 with histidine.
Molecular consequence: missense variant.
Genome position (GRCh38, 1-based): chr6:44,306,996, C>T on the plus strand (G>A on the coding strand, the complement: AARS2 is on the minus strand). VCF-style: chr6-44306996-C-T. GRCh37 (hg19) VCF-style: chr6-44274733-C-T.
Other names: c.1076G>A (NM_020745.2); short protein forms R359H.
Identifiers: ClinVar variation 1518003 (VCV001518003.8), dbSNP rs200485499, ClinGen allele CA3834447.

ClinVar aggregate classification (germline): Uncertain significance. Review status: criteria provided, multiple submitters, no conflicts (2 of 4 stars). 3 submissions from 3 submitters: Uncertain significance (3). Last evaluated 2024-05-09.

Allele frequency attached by ClinVar (database versions not stated): gnomAD exomes 0.00006; ExAC 0.00007; ESP Exome Variant Server 0.00008; TOPMed 0.00008; gnomAD 0.00011; 1000 Genomes Project 0.00020; 1000 Genomes Project 30x 0.00031.
gnomAD v4.1: 109 of 1,614,074 alleles (0.0068%); highest among the groups gnomAD compares: Middle Eastern, 0.033%; no homozygotes.

Submissions (3):

GeneDx
Classification: Uncertain significance. Last evaluated: 2024-05-09. Review status: criteria provided, single submitter. Criteria: GeneDx Variant Classification Process June 2021. Collection method: clinical testing. Allele origin: germline. Affected: yes.
Comment: Not observed at significant frequency in large population cohorts (gnomAD); In silico analysis supports that this missense variant has a deleterious effect on protein structure/function; Has not been previously published in association with an AARS2-related disorder to our knowledge; This variant is associated with the following publications: (PMID: 36387164)

Labcorp Genetics (formerly Invitae), Labcorp
Classification: Uncertain significance. Last evaluated: 2024-02-24. Review status: criteria provided, single submitter. Criteria: Invitae Variant Classification Sherloc (09022015). Collection method: clinical testing. Allele origin: germline.
Comment: This sequence change replaces arginine, which is basic and polar, with histidine, which is basic and polar, at codon 359 of the AARS2 protein (p.Arg359His). This variant is present in population databases (rs200485499, gnomAD 0.01%). This variant has not been reported in the literature in individuals affected with AARS2-related conditions. ClinVar contains an entry for this variant (Variation ID: 1518003). Advanced modeling of protein sequence and biophysical properties (such as structural, functional, and spatial information, amino acid conservation, physicochemical variation, residue mobility, and thermodynamic stability) performed at Invitae indicates that this missense variant is expected to disrupt AARS2 protein function with a positive predictive value of 80%. In summary, the available evidence is currently insufficient to determine the role of this variant in disease. Therefore, it has been classified as a Variant of Uncertain Significance.

Breakthrough Genomics
Classification: Uncertain significance. Review status: criteria provided, single submitter. Criteria: ACMG Guidelines, 2015. Collection method: not provided. Allele origin: germline. Inheritance: Autosomal recessive inheritance. Affected: yes.